The following is an entry in ClinVar:

ClinVar aggregate classification (germline): Benign. Review status: criteria provided, multiple submitters, no conflicts (2 of 4 stars). 3 submissions from 3 submitters: Benign (2). 1 of the submissions does not count toward it. Last evaluated 2021-01-19.

Conditions:
SERPINA6-related disorder. Also called: SERPINA6-related condition.

Allele frequency attached by ClinVar (database versions not stated): 1000 Genomes Project 30x 0.14194; 1000 Genomes Project 0.14337; TOPMed 0.16797; gnomAD 0.17524 and 0.17627; gnomAD exomes 0.17711 and 0.20409; ExAC 0.18178; ESP Exome Variant Server 0.18345.
gnomAD v4.1: 324,240 of 1,614,006 alleles (20%); highest among the groups gnomAD compares: Non-Finnish European, 22%; 33,874 homozygotes.

Submissions (3):

GeneDx
Classification: Benign. Last evaluated: 2021-01-19. Review status: criteria provided, single submitter. Criteria: GeneDx Variant Classification Process June 2021. Collection method: clinical testing. Allele origin: germline. Affected: yes.

Breakthrough Genomics
Classification: Benign. Review status: criteria provided, single submitter. Criteria: ACMG Guidelines, 2015. Collection method: not provided. Allele origin: germline. Inheritance: Autosomal dominant inheritance. Affected: yes.

PreventionGenetics, part of Exact Sciences
Classification: Benign for SERPINA6-related condition. Last evaluated: 2019-10-23. Review status: no assertion criteria provided. Collection method: clinical testing. Allele origin: germline. Not counted in ClinVar's aggregate classification.
Comment: This variant is classified as benign based on ACMG/AMP sequence variant interpretation guidelines (Richards et al. 2015 PMID: 25741868, with internal and published modifications).

NM_001756.4(SERPINA6):c.378C>T (p.Thr126=)

Gene: SERPINA6 (serpin family A member 6; minus strand). Cytogenetic location: 14q32.13.
Variant type: single nucleotide variant.
Coding change: c.378C>T on transcript NM_001756.4 (MANE Select); coding-DNA position 378, C replaced by T.
Protein change: p.Thr126=; no amino-acid change (threonine 126 retained).
Molecular consequence: synonymous variant.
Genome position (GRCh38, 1-based): chr14:94,314,271, G>A on the plus strand (C>T on the coding strand, the complement: SERPINA6 is on the minus strand). VCF-style: chr14-94314271-G-A. GRCh37 (hg19) VCF-style: chr14-94780608-G-A.
Identifiers: ClinVar variation 1246534 (VCV001246534.5), dbSNP rs3748320, ClinGen allele CA7327162.
Genomic context (GRCh38, chr14:94,314,271, plus strand): 5'-GTCTGCTGAGAATGACTCCAGCAACTCCAGGCTGCCATCAAGAAACAAGGCATTGCCCAT[G>A]GTCATTTCTAAGCTGGTGTCTGACTTTGCAAAGAGTTGGTGCAGGTGCTGGAAACCCTGG-3'
Protein context (NP_001747.3, residues 116-136): FAKSDTSLEM[Thr126=]MGNALFLDGS